The following is an entry in ClinVar:

NM_145178.4(ATOH7):c.291C>A (p.Ala97=)

Gene: ATOH7 (atonal bHLH transcription factor 7; minus strand). Cytogenetic location: 10q21.3.
Variant type: single nucleotide variant.
Coding change: c.291C>A on transcript NM_145178.4 (MANE Select); coding-DNA position 291, C replaced by A.
Protein change: p.Ala97=; no amino-acid change (alanine 97 retained).
Molecular consequence: synonymous variant.
Genome position (GRCh38, 1-based): chr10:68,231,387, G>T on the plus strand (C>A on the coding strand, the complement: ATOH7 is on the minus strand). VCF-style: chr10-68231387-G-T. GRCh37 (hg19) VCF-style: chr10-69991144-G-T.
Identifiers: ClinVar variation 2001779 (VCV002001779.1), dbSNP rs2492042996, ClinGen allele CA469826886.

ClinVar aggregate classification (germline): Uncertain significance (1 of 4 stars; one submission).

Submission:

Labcorp Genetics (formerly Invitae), Labcorp
Classification: Uncertain significance. Last evaluated: 2022-07-30. Review status: criteria provided, single submitter. Criteria: Invitae Variant Classification Sherloc (09022015). Collection method: clinical testing. Allele origin: germline.
Comment: This sequence change affects codon 97 of the ATOH7 mRNA. It is a 'silent' change, meaning that it does not change the encoded amino acid sequence of the ATOH7 protein. This variant is not present in population databases (gnomAD no frequency). This variant has not been reported in the literature in individuals affected with ATOH7-related conditions. In summary, the available evidence is currently insufficient to determine the role of this variant in disease. Therefore, it has been classified as a Variant of Uncertain Significance.